The following is an entry in ClinVar:

NM_032447.5(FBN3):c.2259dup (p.Gly754fs)

Gene: FBN3 (fibrillin 3; minus strand). Cytogenetic location: 19p13.2.
Variant type: Duplication.
Coding change: c.2259dup on transcript NM_032447.5 (MANE Select); coding-DNA position 2259, one base duplicated (C; older notation c.2259dupC).
Protein change: p.Gly754fs; shifts the reading frame from glycine 754.
Molecular consequence: frameshift variant.
Genome position (GRCh38, 1-based): chr19:8,129,065, G duplicated on the plus strand (C on the coding strand, the reverse complement: FBN3 is on the minus strand); the first of 7 consecutive G bases (chr19:8,129,065-8,129,071); duplicating any one gives the same sequence. VCF-style (leftmost placement, unchanged base first): chr19-8129064-C-CG. GRCh37 (hg19) VCF-style: chr19-8193948-C-CG.
Other names: c.2259dup, p.Gly754fs (NM_001321431.2); short protein forms G754fs.
Identifiers: ClinVar variation 3017989 (VCV003017989.3), dbSNP rs755836480, ClinGen allele CA9152973.

ClinVar aggregate classification (germline): Uncertain significance (1 of 4 stars; one submission).

Submission:

Labcorp Genetics (formerly Invitae), Labcorp
Classification: Uncertain significance. Last evaluated: 2024-05-29. Review status: criteria provided, single submitter. Criteria: Invitae Variant Classification Sherloc (09022015). Collection method: clinical testing. Allele origin: germline.
Comment: This sequence change creates a premature translational stop signal (p.Gly754Argfs*69) in the FBN3 gene. It is expected to result in an absent or disrupted protein product. However, the current clinical and genetic evidence is not sufficient to establish whether loss-of-function variants in FBN3 cause disease. The frequency data for this variant in the population databases is considered unreliable, as metrics indicate poor data quality at this position in the gnomAD database. This variant has not been reported in the literature in individuals affected with FBN3-related conditions. In summary, the available evidence is currently insufficient to determine the role of this variant in disease. Therefore, it has been classified as a Variant of Uncertain Significance.